The following is an entry in ClinVar:

NR_003051.3(RMRP):n.-22_1dup

Gene: RMRP (RNA component of mitochondrial RNA processing endoribonuclease; minus strand). Cytogenetic location: 9p13.3.
Variant type: Duplication.
Genome position: GRCh38 VCF-style: chr9-35658017-C-CCACGTCCTCAGCTTCACAGAGTA. GRCh37 (hg19) VCF-style: chr9-35658014-C-CCACGTCCTCAGCTTCACAGAGTA.
Identifiers: ClinVar variation 1454053 (VCV001454053.9), dbSNP rs1554651376, ClinGen allele CA918446892.
Genomic context (GRCh38, chr9:35,658,017, plus strand): 5'-CGGAAAGGGGAGGAACAGAGTCCTCAGTGTGTAGCCTAGGATACAGGCCTTCAGCACGAA[C>CCACGTCCTCAGCTTCACAGAGTA]CACGTCCTCAGCTTCACAGAGTAGTATTTTATAGCCCTAAAGAAATTGTGTTTTATGATT-3'

ClinVar aggregate classification (germline): Pathogenic/Likely pathogenic. Review status: criteria provided, multiple submitters, no conflicts (2 of 4 stars). 3 submissions from 3 submitters: Pathogenic (1); Likely pathogenic (2). Last evaluated 2026-01-27.

Conditions:
Metaphyseal chondrodysplasia, McKusick type (CHH). Also called: Cartilage-Hair Hypoplasia (CHH); Cartilage-hair hypoplasia. Identifiers: Orphanet 175, MedGen C0220748, MONDO:0009595, OMIM 250250.
Anauxetic dysplasia. Identifiers: Orphanet 93347, MedGen C1846796, MONDO:0011773.

Allele frequency attached by ClinVar (database versions not stated): TOPMed below 0.00001; gnomAD exomes 0.00001.

Submissions (3):

Natera, Inc.
Classification: Likely pathogenic for Cartilage-hair hypoplasia. Last evaluated: 2026-01-27. Review status: criteria provided, single submitter. Criteria: Natera Variant Classification Schema (03/2026). Collection method: clinical testing. Allele origin: germline.
Comment: The n.-22_1dup variant in RMRP is a duplication affecting the RMRP promoter region between the TATA box and the transcription initiation site. Other duplications and insertions just upstream of the transcription initiation site have been reported in individuals affected with cartilage-hair hypoplasia (PMID: 11207361, 17937437). This variant is rare in the general population with a frequency below the threshold expected for the associated phenotype(s). Given the available evidence, this variant is classified as Likely pathogenic.

Women's Health and Genetics/Laboratory Corporation of America, LabCorp
Classification: Likely pathogenic for Metaphyseal chondrodysplasia, McKusick type. Last evaluated: 2024-04-11. Review status: criteria provided, single submitter. Criteria: LabCorp Variant Classification Summary - May 2015. Collection method: clinical testing. Allele origin: germline.
Comment: Variant summary: RMRP n.-22_1dup23 is located in the untranscribed region upstream of the RMRP gene region. Multiple insertions/duplications in the promoter region of RMRP have been associated with disease (internally and in ClinVar, PMIDs: 21956908, 21396580). The variant was absent in 128028 control chromosomes. The available data on variant occurrences in the general population are insufficient to allow any conclusion about variant significance. To our knowledge, no occurrence of n.-22_1dup23 in individuals affected with Cartilage-Hair Hypoplasia and no experimental evidence demonstrating its impact on protein function have been reported. ClinVar contains an entry for this variant (Variation ID: 1454053). Based on the evidence outlined above, the variant was classified as Likely Pathogenic.

Labcorp Genetics (formerly Invitae), Labcorp
Classification: Pathogenic for Anauxetic dysplasia. Last evaluated: 2023-09-08. Review status: criteria provided, single submitter. Criteria: Invitae Variant Classification Sherloc (09022015). Collection method: clinical testing. Allele origin: germline.
Comment: For these reasons, this variant has been classified as Pathogenic. While functional studies for this variant have not been reported, experimental analyses using patient derived cells, as well as in vitro transfection studies, have shown that promoter insertions result in silencing of RMRP transcription and reduced expression of the gene product (PMID: 11207361, 16254002). This variant occurs in the RMRP gene, which encodes an RNA molecule that does not result in a protein product. This variant is not present in population databases (gnomAD no frequency). While this particular variant has not been reported in the literature, it is located in the promoter region between the TATA box and the transcription initiation site, and other insertions and duplications immediately upstream of the coding sequence have been reported in individuals affected with cartilage-hair hypoplasia-anauxetic dysplasia (CHH-AD) spectrum disorders (PMID: 16244706, 11207361, 12107819).

Literature cited by the submitters: PubMed 11207361 (cited by Natera, Inc. and Labcorp Genetics (formerly Invitae), Labcorp); PubMed 17937437 (cited by Natera, Inc.); PubMed 16254002 (cited by Labcorp Genetics (formerly Invitae), Labcorp); PubMed 16244706 (cited by Labcorp Genetics (formerly Invitae), Labcorp); PubMed 12107819 (cited by Labcorp Genetics (formerly Invitae), Labcorp).